The following is an entry in ClinVar:

NM_000702.4(ATP1A2):c.1461+5G>T

Gene: ATP1A2 (ATPase Na+/K+ transporting subunit alpha 2; plus strand). Cytogenetic location: 1q23.2.
Variant type: single nucleotide variant.
Coding change: c.1461+5G>T on transcript NM_000702.4 (MANE Select); 5 bases into the intron after coding-DNA position 1461, G replaced by T.
Molecular consequence: intron variant.
Genome position (GRCh38, 1-based): chr1:160,129,405, G>T. VCF-style: chr1-160129405-G-T. GRCh37 (hg19) VCF-style: chr1-160099195-G-T.
Identifiers: ClinVar variation 1466692 (VCV001466692.6), dbSNP rs199906945, ClinGen allele CA2573131145.

ClinVar aggregate classification (germline): Uncertain significance (1 of 4 stars; one submission).

Conditions:
Familial hemiplegic migraine. Identifiers: MedGen C0338484, MONDO:0000700.

Submission:

Labcorp Genetics (formerly Invitae), Labcorp
Classification: Uncertain significance for Familial hemiplegic migraine. Last evaluated: 2021-03-07. Review status: criteria provided, single submitter. Criteria: Invitae Variant Classification Sherloc (09022015). Collection method: clinical testing. Allele origin: germline.
Comment: This sequence change falls in intron 11 of the ATP1A2 gene. It does not directly change the encoded amino acid sequence of the ATP1A2 protein. It affects a nucleotide within the consensus splice site of the intron. This variant is not present in population databases (ExAC no frequency). This variant has not been reported in the literature in individuals with ATP1A2-related conditions. Nucleotide substitutions within the consensus splice site are a relatively common cause of aberrant splicing (PMID: 17576681, 9536098). Algorithms developed to predict the effect of sequence changes on RNA splicing suggest that this variant may disrupt the consensus splice site, but this prediction has not been confirmed by published transcriptional studies. In summary, the available evidence is currently insufficient to determine the role of this variant in disease. Therefore, it has been classified as a Variant of Uncertain Significance.

Literature cited by the submitters: PubMed 17576681; PubMed 9536098.